The following is an entry in ClinVar:

ClinVar aggregate classification (germline): Conflicting classifications of pathogenicity. Review status: criteria provided, conflicting classifications (1 of 4 stars). 3 submissions from 3 submitters: Uncertain significance (2); Likely benign (1). Last evaluated 2025-03-09.

Conditions:
Hereditary cancer-predisposing syndrome. Also called: Hereditary neoplastic syndrome; Hereditary Cancer Syndrome; Tumor predisposition; Neoplastic Syndromes, Hereditary. Identifiers: Orphanet 140162, MedGen C0027672, MeSH D009386, MONDO:0015356.
Hereditary breast ovarian cancer syndrome. Also called: Breast and ovarian cancer; Hereditary breast and ovarian cancer; BRCA1- and BRCA2-Associated Hereditary Breast and Ovarian Cancer; Hereditary breast and/or ovarian cancer syndrome; Hereditary breast and ovarian cancer syndrome; Hereditary breast and ovarian cancer syndrome (HBOC). Identifiers: Orphanet 145, MedGen C0677776, MeSH D061325, MONDO:0003582. Disease mechanism: loss of function.

Allele frequency attached by ClinVar (database versions not stated): ExAC 0.00001.
gnomAD v4.1: 1 of 1,593,234 alleles (0.000063%); highest among the groups gnomAD compares: South Asian, 0.0012%; no homozygotes.

Submissions (3):

Labcorp Genetics (formerly Invitae), Labcorp
Classification: Uncertain significance for Hereditary breast ovarian cancer syndrome. Last evaluated: 2025-03-09. Review status: criteria provided, single submitter. Criteria: Invitae Variant Classification Sherloc (09022015). Collection method: clinical testing. Allele origin: germline.
Comment: This sequence change replaces lysine, which is basic and polar, with asparagine, which is neutral and polar, at codon 1691 of the BRCA2 protein (p.Lys1691Asn). This variant is present in population databases (rs760482209, gnomAD 0.004%). This variant has not been reported in the literature in individuals affected with BRCA2-related conditions. ClinVar contains an entry for this variant (Variation ID: 438986). Invitae Evidence Modeling of protein sequence and biophysical properties (such as structural, functional, and spatial information, amino acid conservation, physicochemical variation, residue mobility, and thermodynamic stability) indicates that this missense variant is not expected to disrupt BRCA2 protein function with a negative predictive value of 95%. In summary, the available evidence is currently insufficient to determine the role of this variant in disease. Therefore, it has been classified as a Variant of Uncertain Significance.

University of Washington Department of Laboratory Medicine, University of Washington
Classification: Likely benign for Hereditary cancer-predisposing syndrome. Last evaluated: 2023-03-23. Review status: criteria provided, single submitter. Criteria: Dines et al. (Genet Med. 2020). Collection method: curation. Allele origin: germline.
Comment: Missense variant in a coldspot region where missense variants are very unlikely to be pathogenic (PMID:31911673).

BRCA2 exon 11 coldspot. Reclassification based on statistical prior probability.

Quest Diagnostics Nichols Institute San Juan Capistrano
Classification: Uncertain significance. Last evaluated: 2017-02-15. Review status: criteria provided, single submitter. Criteria: Quest Diagnostics criteria. Collection method: clinical testing. Allele origin: germline.

NM_000059.4(BRCA2):c.5073A>T (p.Lys1691Asn)

Gene: BRCA2 (BRCA2 DNA repair associated; plus strand). Cytogenetic location: 13q13.1.
Variant type: single nucleotide variant.
Coding change: c.5073A>T on transcript NM_000059.4 (MANE Select); coding-DNA position 5073, A replaced by T.
Protein change: p.Lys1691Asn; replaces lysine 1691 with asparagine.
Molecular consequence: missense variant.
Genome position (GRCh38, 1-based): chr13:32,339,428, A>T. VCF-style: chr13-32339428-A-T. GRCh37 (hg19) VCF-style: chr13-32913565-A-T.
Other names: short protein forms K1691N.
Identifiers: ClinVar variation 438986 (VCV000438986.5), dbSNP rs760482209, ClinGen allele CA6940845.